The following is an entry in ClinVar:

NM_203290.4(POLR1C):c.968G>C (p.Ser323Thr)

Gene: POLR1C (RNA polymerase I and III subunit C; plus strand). Cytogenetic location: 6p21.1.
Variant type: single nucleotide variant.
Coding change: c.968G>C on transcript NM_203290.4 (MANE Select); coding-DNA position 968, G replaced by C.
Protein change: p.Ser323Thr; replaces serine 323 with threonine.
Molecular consequence: missense variant. On other transcripts: intron variant (2).
Genome position (GRCh38, 1-based): chr6:43,521,227, G>C. VCF-style: chr6-43521227-G-C. GRCh37 (hg19) VCF-style: chr6-43488965-G-C.
Other names: c.922+179G>C (NM_001318876.2, NM_001363658.2); short protein forms S323T.
Identifiers: ClinVar variation 1395799 (VCV001395799.8), dbSNP rs1793167670, ClinGen allele CA364285319.
Genomic context (GRCh38, chr6:43,521,227, plus strand): 5'-CTCTTTGGTCCCCAGTCTCTGTTGAGTCAACGGGGGTGTTGCCACCAGATGTGCTGGTGA[G>C]TGAAGCCATCAAAGTACTGATGGGGAAGTGCCGGCGCTTCTTGGATGAACTAGATGCGGT-3'
Protein context (NP_976035.1, residues 313-333): TGVLPPDVLV[Ser323Thr]EAIKVLMGKC

ClinVar aggregate classification (germline): Uncertain significance (1 of 4 stars; one submission).

Allele frequency attached by ClinVar (database versions not stated): gnomAD exomes below 0.00001; TOPMed below 0.00001; gnomAD 0.00001.
gnomAD v4.1: 2 of 1,613,800 alleles (0.00012%); highest among the groups gnomAD compares: Non-Finnish European, 0.00017%; no homozygotes.

Submission:

Labcorp Genetics (formerly Invitae), Labcorp
Classification: Uncertain significance. Last evaluated: 2023-07-07. Review status: criteria provided, single submitter. Criteria: Invitae Variant Classification Sherloc (09022015). Collection method: clinical testing. Allele origin: germline.
Comment: This sequence change replaces serine, which is neutral and polar, with threonine, which is neutral and polar, at codon 323 of the POLR1C protein (p.Ser323Thr). This variant is not present in population databases (gnomAD no frequency). This variant has not been reported in the literature in individuals affected with POLR1C-related conditions. ClinVar contains an entry for this variant (Variation ID: 1395799). Advanced modeling of protein sequence and biophysical properties (such as structural, functional, and spatial information, amino acid conservation, physicochemical variation, residue mobility, and thermodynamic stability) performed at Invitae indicates that this missense variant is not expected to disrupt POLR1C protein function. In summary, the available evidence is currently insufficient to determine the role of this variant in disease. Therefore, it has been classified as a Variant of Uncertain Significance.